The following is an entry in ClinVar:

ClinVar aggregate classification (germline): Uncertain significance (1 of 4 stars; one submission).

Submission:

GeneDx
Classification: Uncertain significance. Last evaluated: 2023-11-01. Review status: criteria provided, single submitter. Criteria: GeneDx Variant Classification Process June 2021. Collection method: clinical testing. Allele origin: germline. Affected: yes.
Comment: Not observed at significant frequency in large population cohorts (gnomAD); In silico analysis supports that this missense variant has a deleterious effect on protein structure/function; Has not been previously published as pathogenic or benign to our knowledge

NM_017757.3(ZNF407):c.563G>A (p.Cys188Tyr)

Gene: ZNF407 (zinc finger protein 407; plus strand). Cytogenetic location: 18q22.3.
Variant type: single nucleotide variant.
Coding change: c.563G>A on transcript NM_017757.3 (MANE Select); coding-DNA position 563, G replaced by A.
Protein change: p.Cys188Tyr; replaces cysteine 188 with tyrosine.
Molecular consequence: missense variant.
Genome position (GRCh38, 1-based): chr18:74,631,582, G>A. VCF-style: chr18-74631582-G-A. GRCh37 (hg19) VCF-style: chr18-72343538-G-A.
Other names: c.563G>A, p.Cys188Tyr (NM_001146189.1, NM_001146190.1, NM_001384475.1); short protein forms C188Y.
Identifiers: ClinVar variation 3363820 (VCV003363820.1).